The following is an entry in ClinVar:

ClinVar aggregate classification (germline): Pathogenic (1 of 4 stars; one submission).

Submission:

Labcorp Genetics (formerly Invitae), Labcorp
Classification: Pathogenic. Last evaluated: 2023-02-22. Review status: criteria provided, single submitter. Criteria: Invitae Variant Classification Sherloc (09022015). Collection method: clinical testing. Allele origin: germline.
Comment: For these reasons, this variant has been classified as Pathogenic. This variant has not been reported in the literature in individuals affected with MYO7A-related conditions. This variant is not present in population databases (gnomAD no frequency). This sequence change creates a premature translational stop signal (p.Tyr1444Leufs*7) in the MYO7A gene. It is expected to result in an absent or disrupted protein product. Loss-of-function variants in MYO7A are known to be pathogenic (PMID: 8900236, 25404053).

Literature cited by the submitters: PubMed 8900236; PubMed 25404053.

NM_000260.4(MYO7A):c.4330dup (p.Tyr1444fs)

Gene: MYO7A (myosin VIIA; plus strand). Cytogenetic location: 11q13.5.
Variant type: Duplication.
Coding change: c.4330dup on transcript NM_000260.4 (MANE Select); coding-DNA position 4330, one base duplicated (T; older notation c.4330dupT).
Protein change: p.Tyr1444fs; shifts the reading frame from tyrosine 1444.
Molecular consequence: frameshift variant.
Genome position (GRCh38, 1-based): chr11:77,197,487, T duplicated; the last of 3 consecutive T bases (chr11:77,197,485-77,197,487); duplicating any one gives the same sequence. VCF-style (leftmost placement, unchanged base first): chr11-77197484-A-AT. GRCh37 (hg19) VCF-style: chr11-76908529-A-AT.
Other names: c.4330dup, p.Tyr1444fs (NM_001127180.2); c.4297dup, p.Tyr1433fs (NM_001369365.1); short protein forms Y1433fs, Y1444fs.
Identifiers: ClinVar variation 2839870 (VCV002839870.3), dbSNP rs2497544328, ClinGen allele CA2739270701.